The following is an entry in ClinVar:

ClinVar aggregate classification (germline): Uncertain significance (1 of 4 stars; one submission).

Allele frequency attached by ClinVar (database versions not stated): gnomAD exomes below 0.00001; TOPMed 0.00001.
gnomAD v4.1: 1 of 1,613,950 alleles (0.000062%); highest among the groups gnomAD compares: East Asian, 0.0022%; no homozygotes.

Submission:

Women's Health and Genetics/Laboratory Corporation of America, LabCorp
Classification: Uncertain significance. Last evaluated: 2025-10-29. Review status: criteria provided, single submitter. Criteria: LabCorp Variant Classification Summary - May 2015. Collection method: clinical testing. Allele origin: germline.
Comment: Variant summary: CNTN4 c.514G>A (p.Val172Ile) results in a conservative amino acid change located in the Immunoglobulin subtype domain (IPR003599) of the encoded protein sequence. Algorithms developed to predict the effect of missense changes on protein structure and function are either unavailable or do not agree on the potential impact of this missense change. The variant allele was found at a frequency of 4e-06 in 249296 control chromosomes. The available data on variant occurrences in the general population are insufficient to allow any conclusion about variant significance. To our knowledge, no occurrence of c.514G>A in individuals affected with CNTN4-related conditions and no experimental evidence demonstrating its impact on protein function have been reported. ClinVar contains an entry for this variant (Variation ID: 1723452). Based on the evidence outlined above, the variant was classified as uncertain significance.

NM_175607.3(CNTN4):c.514G>A (p.Val172Ile)

Gene: CNTN4 (contactin 4; plus strand). Cytogenetic location: 3p26.2.
Variant type: single nucleotide variant.
Coding change: c.514G>A on transcript NM_175607.3 (MANE Select); coding-DNA position 514, G replaced by A.
Protein change: p.Val172Ile; replaces valine 172 with isoleucine.
Molecular consequence: missense variant.
Genome position (GRCh38, 1-based): chr3:2,866,811, G>A. VCF-style: chr3-2866811-G-A. GRCh37 (hg19) VCF-style: chr3-2908495-G-A.
Other names: c.514G>A, p.Val172Ile (NM_001206955.2, NM_001350095.2); short protein forms V172I.
Identifiers: ClinVar variation 1723452 (VCV001723452.2), dbSNP rs1281946309, ClinGen allele CA351439285.